The following is an entry in ClinVar:

NM_001009944.3(PKD1):c.12497_12507del (p.Ser4165_Ser4166insTer)

Gene: PKD1 (polycystin 1, transient receptor potential channel interacting; minus strand). Cytogenetic location: 16p13.3.
Variant type: Deletion.
Coding change: c.12497_12507del on transcript NM_001009944.3 (MANE Select); coding-DNA positions 12497 to 12507, 11 bases deleted (CCAGGGGCTCC).
Protein change: p.Ser4165_Ser4166insTer.
Molecular consequence: nonsense. On other transcripts: frameshift variant (1).
Genome position (GRCh38, 1-based): chr16:2,090,132-2,090,142, GGAGCCCCTGG deleted on the plus strand (CCAGGGGCTCC on the coding strand, the reverse complement: PKD1 is on the minus strand). VCF-style (leftmost placement, unchanged base first): chr16-2090131-TGGAGCCCCTGG-T. GRCh37 (hg19) VCF-style: chr16-2140132-TGGAGCCCCTGG-T.
Other names: c.12494_12504del, p.Ser4164_Ser4165insTer (NM_000296.4); c.12497_12507delCCAGGGGCTCC, p.Ser4166Terfs (NM_001009944.2).
Identifiers: ClinVar variation 3255030 (VCV003255030.1), dbSNP rs2544580431.

ClinVar aggregate classification (germline): Pathogenic (1 of 4 stars; one submission).

Conditions:
Polycystic kidney disease, adult type (PKD1). Also called: Polycystic Kidney Disease 1, Autosomal Dominant; Polycystic kidney disease 1; Polycystic kidney disease 1, severe; POLYCYSTIC KIDNEY DISEASE, ADULT, TYPE I; Polycystic Kidney, Autosomal Dominant; POLYCYSTIC KIDNEY DISEASE 1 WITH OR WITHOUT POLYCYSTIC LIVER DISEASE. Identifiers: MedGen C3149841, MONDO:0008263, OMIM 173900.

Submission:

Victorian Clinical Genetics Services, Murdoch Childrens Research Institute
Classification: Pathogenic for Polycystic kidney disease, adult type. Last evaluated: 2023-12-21. Review status: criteria provided, single submitter. Criteria: ACMG Guidelines, 2015. Collection method: clinical testing. Allele origin: germline. Inheritance: Autosomal dominant inheritance. Affected: yes.
Comment: Based on the classification scheme VCGS_Germline_v1.3.4, this variant is classified as Pathogenic. Following criteria are met: 0102 - Loss of function is a known mechanism of disease in this gene and is associated with polycystic kidney disease 1 (MIM#173900). (I) 0107 - This gene is associated with autosomal dominant disease. Polycystic kidney disease 1 (MIM#173900) is predominantly caused by monoallelic variants, with rare reports of biallelic variants causing disease (OMIM). (I) 0205 - Variant is predicted to result in a truncated protein (premature termination codon is NOT located at least 54 nucleotides upstream of the final exon-exon junction) with less than 1/3 of the protein sequence affected. (SP) 0251 - This variant is heterozygous. (I) 0301 - Variant is absent from gnomAD (both v2 and v3). (SP) 0701 - Other comparable variants predicted to result in a truncated protein and located downstream to the one identified in this case have very strong previous evidence for pathogenicity (DECIPHER). (SP) 0807 - This variant has no previous evidence of pathogenicity. (I) 0905 - No published segregation evidence has been identified for this variant. (I) 1007 - No published functional evidence has been identified for this variant. (I) 1208 - Inheritance information for this variant is not currently available in this individual. (I) Legend: (SP) - Supporting pathogenic, (I) - Information, (SB) - Supporting benign